The following is an entry in ClinVar:

NM_007294.4(BRCA1):c.5277+7C>A

Gene: BRCA1 (BRCA1 DNA repair associated; minus strand). Cytogenetic location: 17q21.31.
Variant type: single nucleotide variant.
Coding change: c.5277+7C>A on transcript NM_007294.4 (MANE Select); 7 bases into the intron after coding-DNA position 5277, C replaced by A.
Molecular consequence: intron variant.
Genome position (GRCh38, 1-based): chr17:43,057,045, G>T on the plus strand (C>A on the coding strand, the complement: BRCA1 is on the minus strand). VCF-style: chr17-43057045-G-T. GRCh37 (hg19) VCF-style: chr17-41209062-G-T.
Other names: c.1887+7C>A (NM_001408412.1, NM_001408413.1, NM_001408416.1 and 2 more transcripts); c.5196+7C>A (NM_001407656.1, NM_001407657.1, NM_001407658.1); c.5199+7C>A (NM_001407654.1, NM_001407652.1, NM_001407653.1 and 1 more transcripts); c.1626+7C>A (NM_001408509.1); c.1629+7C>A (NM_001408508.1); c.1755+7C>A (NM_001408491.1, NM_001408481.1, NM_001408490.1 and 5 more transcripts); c.5061+7C>A (NM_001407918.1, NM_001407915.1, NM_001407916.1 and 1 more transcripts); c.5064+7C>A (NM_001407894.1, NM_001407909.1, NM_001407906.1 and 12 more transcripts); and 72 more.
Identifiers: ClinVar variation 867924 (VCV000867924.3), dbSNP rs1597810359, ClinGen allele CA916081123.

Conditions:
Breast-ovarian cancer, familial, susceptibility to, 1 (BROVCA1). Also called: BRCA1 Hereditary Breast and Ovarian Cancer; OVARIAN CANCER, SUSCEPTIBILITY TO. Identifiers: Orphanet 145, MedGen C2676676, MONDO:0011450, OMIM 604370. Disease mechanism: loss of function.

Submission:

Brotman Baty Institute, University of Washington
No classification provided (evidence only). Condition: Breast-ovarian cancer, familial 1. Review status: no classification provided. Collection method: in vitro. Allele origin: not applicable. Functional consequence: functionally_normal.
ClinVar note: "not provided" was previously submitted as the classification for the variant. However, the classification appeared to be based only on an observation of functional data so it was converted to no classification on 2025-07-30.